The following is an entry in ClinVar:

NM_005334.3(HCFC1):c.5741C>T (p.Ser1914Phe)

Gene: HCFC1 (host cell factor C1; minus strand). Cytogenetic location: Xq28.
Variant type: single nucleotide variant.
Coding change: c.5741C>T on transcript NM_005334.3 (MANE Select); coding-DNA position 5741, C replaced by T.
Protein change: p.Ser1914Phe; replaces serine 1914 with phenylalanine.
Molecular consequence: missense variant.
Genome position (GRCh38, 1-based): chrX:153,950,506, G>A on the plus strand (C>T on the coding strand, the complement: HCFC1 is on the minus strand). VCF-style: chrX-153950506-G-A. GRCh37 (hg19) VCF-style: chrX-153215957-G-A.
Other names: c.5876C>T, p.Ser1959Phe (NM_001410705.1); short protein forms S1914F, S1959F.
Identifiers: ClinVar variation 3524164 (VCV003524164.2).

ClinVar aggregate classification (germline): Uncertain significance. Review status: criteria provided, multiple submitters, no conflicts (2 of 4 stars). 2 submissions from 2 submitters: Uncertain significance (2). Last evaluated 2026-03-21.

Conditions:
Inborn genetic diseases. Identifiers: MedGen C0950123, MeSH D030342.

gnomAD v4.1: 1 of 1,181,926 alleles (0.000085%); highest among the groups gnomAD compares: Non-Finnish European, 0.00011%; no homozygotes.

Submissions (2):

GeneDx
Classification: Uncertain significance. Last evaluated: 2026-03-21. Review status: criteria provided, single submitter. Criteria: GeneDx Variant Classification Process June 2021. Collection method: clinical testing. Allele origin: germline.
Comment: Not observed at significant frequency in large population cohorts (gnomAD); In silico analysis supports that this missense variant has a deleterious effect on protein structure/function; Has not been previously published as pathogenic or benign to our knowledge

Ambry Genetics
Classification: Uncertain significance for Inborn genetic diseases. Last evaluated: 2024-07-31. Review status: criteria provided, single submitter. Criteria: Ambry Variant Classification Scheme 2023. Collection method: clinical testing. Allele origin: germline.